The following is an entry in ClinVar:

NM_000245.4(MET):c.365T>C (p.Val122Ala)

Gene: MET (MET proto-oncogene, receptor tyrosine kinase; plus strand). Cytogenetic location: 7q31.2.
Variant type: single nucleotide variant.
Coding change: c.365T>C on transcript NM_000245.4 (MANE Select); coding-DNA position 365, T replaced by C.
Protein change: p.Val122Ala; replaces valine 122 with alanine.
Molecular consequence: missense variant. On other transcripts: intron variant (1).
Genome position (GRCh38, 1-based): chr7:116,699,449, T>C. VCF-style: chr7-116699449-T-C. GRCh37 (hg19) VCF-style: chr7-116339503-T-C.
Other names: c.365T>C, p.Val122Ala (NM_001127500.3, NM_001324401.3); c.-91+26872T>C (NM_001324402.2); c.365T>C (NM_000245.2); short protein forms V122A.
Identifiers: ClinVar variation 2998950 (VCV002998950.4), dbSNP rs1791476896, ClinGen allele CA368968915.

ClinVar aggregate classification (germline): Uncertain significance. Review status: criteria provided, multiple submitters, no conflicts (2 of 4 stars). 2 submissions from 2 submitters: Uncertain significance (2). Last evaluated 2026-07-07.

Conditions:
Hereditary cancer-predisposing syndrome. Also called: Hereditary Cancer Syndrome; Hereditary neoplastic syndrome; Neoplastic Syndromes, Hereditary; Tumor predisposition. Identifiers: Orphanet 140162, MedGen C0027672, MeSH D009386, MONDO:0015356.
Renal cell carcinoma. Identifiers: Orphanet 217071, MedGen C0007134, MeSH D002292, MONDO:0005086, HP:0005584.

Allele frequency attached by ClinVar (database versions not stated): gnomAD exomes below 0.00001.

Submissions (2):

Ambry Genetics
Classification: Uncertain significance for Hereditary cancer-predisposing syndrome. Last evaluated: 2026-07-07. Review status: criteria provided, single submitter. Criteria: Ambry Variant Classification Scheme 2023. Collection method: clinical testing. Allele origin: germline.
Comment: The p.V122A variant (also known as c.365T>C), located in coding exon 1 of the MET gene, results from a T to C substitution at nucleotide position 365. The valine at codon 122 is replaced by alanine, an amino acid with similar properties. This amino acid position is conserved. In addition, this alteration is predicted to be tolerated by in silico analysis. Based on the available evidence, the clinical significance of this variant remains unclear.

Labcorp Genetics (formerly Invitae), Labcorp
Classification: Uncertain significance for Renal cell carcinoma. Last evaluated: 2024-08-01. Review status: criteria provided, single submitter. Criteria: Invitae Variant Classification Sherloc (09022015). Collection method: clinical testing. Allele origin: germline.
Comment: This sequence change replaces valine, which is neutral and non-polar, with alanine, which is neutral and non-polar, at codon 122 of the MET protein (p.Val122Ala). This variant is not present in population databases (gnomAD no frequency). This variant has not been reported in the literature in individuals affected with MET-related conditions. Advanced modeling of protein sequence and biophysical properties (such as structural, functional, and spatial information, amino acid conservation, physicochemical variation, residue mobility, and thermodynamic stability) performed at Invitae indicates that this missense variant is not expected to disrupt MET protein function with a negative predictive value of 80%. In summary, the available evidence is currently insufficient to determine the role of this variant in disease. Therefore, it has been classified as a Variant of Uncertain Significance.